The following is an entry in ClinVar:

NM_197968.4(ZMYM2):c.1694C>T (p.Ala565Val)

Gene: ZMYM2 (zinc finger MYM-type containing 2; plus strand). Cytogenetic location: 13q12.11.
Variant type: single nucleotide variant.
Coding change: c.1694C>T on transcript NM_197968.4 (MANE Select); coding-DNA position 1694, C replaced by T.
Protein change: p.Ala565Val; replaces alanine 565 with valine.
Molecular consequence: missense variant. On other transcripts: non-coding transcript variant (1).
Genome position (GRCh38, 1-based): chr13:20,026,721, C>T. VCF-style: chr13-20026721-C-T. GRCh37 (hg19) VCF-style: chr13-20600861-C-T.
Other names: c.1694C>T, p.Ala565Val (NM_001190964.4, NM_001190965.4, NM_001353157.2 and 5 more transcripts); c.1499C>T, p.Ala500Val (NM_001353161.3); c.1433C>T, p.Ala478Val (NM_001353163.2); short protein forms A478V, A500V, A565V.
Identifiers: ClinVar variation 4530942 (VCV004530942.1).

ClinVar aggregate classification (germline): Uncertain significance (1 of 4 stars; one submission).

Submission:

GeneDx
Classification: Uncertain significance. Last evaluated: 2025-05-18. Review status: criteria provided, single submitter. Criteria: GeneDx Variant Classification Process June 2021. Collection method: clinical testing. Allele origin: germline. Affected: yes.
Comment: Not observed at significant frequency in large population cohorts (gnomAD); In silico analysis suggests that this missense variant does not alter protein structure/function; Has not been previously published as pathogenic or benign to our knowledge